The following is an entry in ClinVar:

NM_000540.3(RYR1):c.15056G>T (p.Cys5019Phe)

Gene: RYR1 (ryanodine receptor 1; plus strand). Cytogenetic location: 19q13.2.
Variant type: single nucleotide variant.
Coding change: c.15056G>T on transcript NM_000540.3 (MANE Select); coding-DNA position 15056, G replaced by T.
Protein change: p.Cys5019Phe; replaces cysteine 5019 with phenylalanine.
Molecular consequence: missense variant.
Genome position (GRCh38, 1-based): chr19:38,587,359, G>T. VCF-style: chr19-38587359-G-T. GRCh37 (hg19) VCF-style: chr19-39077999-G-T.
Other names: c.15041G>T, p.Cys5014Phe (NM_001042723.2); short protein forms C5014F, C5019F.
Identifiers: ClinVar variation 2692880 (VCV002692880.3), dbSNP rs2145922036, ClinGen allele CA405694180.
Genomic context (GRCh38, chr19:38,587,359, plus strand): 5'-TGAACTCTTTCTATCCCCAATCCTAGGAGTCTTATGTCTGGAAGATGTACCAAGAGAGAT[G>T]TTGGGATTTCTTCCCAGCTGGTGATTGTTTCCGTAAGCAGTATGAGGACCAGCTTAGCTG-3'
Protein context (NP_000531.2, residues 5009-5029): SYVWKMYQER[Cys5019Phe]WDFFPAGDCF

ClinVar aggregate classification (germline): Uncertain significance (1 of 4 stars; one submission).

Conditions:
RYR1-related disorder. Also called: RYR1-related condition; RYR1-related disorders. Identifiers: MedGen CN239331.

Submission:

Labcorp Genetics (formerly Invitae), Labcorp
Classification: Uncertain significance for RYR1-related disorder. Last evaluated: 2023-11-03. Review status: criteria provided, single submitter. Criteria: Invitae Variant Classification Sherloc (09022015). Collection method: clinical testing. Allele origin: germline.
Comment: This sequence change replaces cysteine, which is neutral and slightly polar, with phenylalanine, which is neutral and non-polar, at codon 5019 of the RYR1 protein (p.Cys5019Phe). This variant is not present in population databases (gnomAD no frequency). This variant has not been reported in the literature in individuals affected with RYR1-related conditions. Advanced modeling of protein sequence and biophysical properties (such as structural, functional, and spatial information, amino acid conservation, physicochemical variation, residue mobility, and thermodynamic stability) performed at Invitae indicates that this missense variant is expected to disrupt RYR1 protein function with a positive predictive value of 95%. In summary, the available evidence is currently insufficient to determine the role of this variant in disease. Therefore, it has been classified as a Variant of Uncertain Significance.